The following is an entry in ClinVar:

NM_000321.3(RB1):c.686T>C (p.Leu229Pro)

Gene: RB1 (RB transcriptional corepressor 1; plus strand). Cytogenetic location: 13q14.2.
Variant type: single nucleotide variant.
Coding change: c.686T>C on transcript NM_000321.3 (MANE Select); coding-DNA position 686, T replaced by C.
Protein change: p.Leu229Pro; replaces leucine 229 with proline.
Molecular consequence: missense variant.
Genome position (GRCh38, 1-based): chr13:48,360,095, T>C. VCF-style: chr13-48360095-T-C. GRCh37 (hg19) VCF-style: chr13-48934231-T-C.
Other names: c.686T>C, p.Leu229Pro (NM_001407165.1, NM_001407166.1); short protein forms L229P.
Identifiers: ClinVar variation 3943363 (VCV003943363.2).

ClinVar aggregate classification (germline): Uncertain significance (1 of 4 stars; one submission).

Conditions:
Hereditary cancer-predisposing syndrome. Also called: Hereditary Cancer Syndrome; Hereditary neoplastic syndrome; Neoplastic Syndromes, Hereditary; Tumor predisposition. Identifiers: Orphanet 140162, MedGen C0027672, MeSH D009386, MONDO:0015356.

gnomAD v4.1: 1 of 1,612,786 alleles (0.000062%); highest among the groups gnomAD compares: Non-Finnish European, 0.000085%; no homozygotes.

Submission:

Ambry Genetics
Classification: Uncertain significance for Hereditary cancer-predisposing syndrome. Last evaluated: 2026-08-20. Review status: criteria provided, single submitter. Criteria: Ambry Variant Classification Scheme 2023. Collection method: clinical testing. Allele origin: germline.
Comment: The p.L229P variant (also known as c.686T>C), located in coding exon 7 of the RB1 gene, results from a T to C substitution at nucleotide position 686. The leucine at codon 229 is replaced by proline, an amino acid with similar properties. This amino acid position is highly conserved in available vertebrate species. In addition, this alteration is predicted to be deleterious by in silico analysis. Based on the available evidence, the clinical significance of this variant remains unclear.